The following is an entry in ClinVar:

NM_001375905.1(SGMS2):c.123A>G (p.Lys41=)

Genes: CYP2U1-AS1 (CYP2U1 and SGMS2 antisense RNA 1; minus strand), SGMS2 (sphingomyelin synthase 2; plus strand). Cytogenetic location: 4q25.
Variant type: single nucleotide variant.
Coding change: c.123A>G on transcript NM_001375905.1 (MANE Select); coding-DNA position 123, A replaced by G.
Protein change: p.Lys41=; no amino-acid change (lysine 41 retained).
Molecular consequence: synonymous variant. On other transcripts: intron variant (1).
Genome position (GRCh38, 1-based): chr4:107,895,676, A>G. VCF-style: chr4-107895676-A-G. GRCh37 (hg19) VCF-style: chr4-108816832-A-G.
Other names: c.123A>G, p.Lys41= (NM_001375906.1, NM_001375907.1, NM_001375908.1 and 4 more transcripts); c.-64-3899A>G (NM_001375911.1).
Identifiers: ClinVar variation 2803675 (VCV002803675.3), dbSNP rs2476723528, ClinGen allele CA440816980.

ClinVar aggregate classification (germline): Uncertain significance (1 of 4 stars; one submission).

Submission:

Labcorp Genetics (formerly Invitae), Labcorp
Classification: Uncertain significance. Last evaluated: 2023-06-30. Review status: criteria provided, single submitter. Criteria: Invitae Variant Classification Sherloc (09022015). Collection method: clinical testing. Allele origin: germline.
Comment: In summary, the available evidence is currently insufficient to determine the role of this variant in disease. Therefore, it has been classified as a Variant of Uncertain Significance. Algorithms developed to predict the effect of sequence changes on RNA splicing suggest that this variant may create or strengthen a splice site. This variant has not been reported in the literature in individuals affected with SGMS2-related conditions. This variant is not present in population databases (gnomAD no frequency). This sequence change affects codon 41 of the SGMS2 mRNA. It is a 'silent' change, meaning that it does not change the encoded amino acid sequence of the SGMS2 protein.